The following is an entry in ClinVar:

NM_014946.4(SPAST):c.856C>A (p.Pro286Thr)

Gene: SPAST (spastin; plus strand). Cytogenetic location: 2p22.3.
Variant type: single nucleotide variant.
Coding change: c.856C>A on transcript NM_014946.4 (MANE Select); coding-DNA position 856, C replaced by A.
Protein change: p.Pro286Thr; replaces proline 286 with threonine.
Molecular consequence: missense variant.
Genome position (GRCh38, 1-based): chr2:32,114,811, C>A. VCF-style: chr2-32114811-C-A. GRCh37 (hg19) VCF-style: chr2-32339880-C-A.
Other names: p.Pro286Thr; c.853C>A, p.Pro285Thr (NM_001363823.2); c.757C>A, p.Pro253Thr (NM_001363875.2); c.760C>A, p.Pro254Thr (NM_001377959.1, NM_199436.2); short protein forms P253T, P254T, P285T, P286T.
Identifiers: ClinVar variation 3380796 (VCV003380796.1).

ClinVar aggregate classification (germline): Uncertain significance (1 of 4 stars; one submission).

Submission:

Mayo Clinic Laboratories, Mayo Clinic
Classification: Uncertain significance. Last evaluated: 2023-10-02. Review status: criteria provided, single submitter. Criteria: ACMG Guidelines, 2015. Collection method: clinical testing. Allele origin: germline. Observed: 1 variant allele.
Comment: BP4, PM2_moderate